The following is an entry in ClinVar:

NM_001723.7(DST):c.6739G>A (p.Ala2247Thr)

Gene: DST (dystonin; minus strand). Cytogenetic location: 6p12.1.
Variant type: single nucleotide variant.
Coding change: c.6739G>A on transcript NM_001723.7 (MANE Plus Clinical); coding-DNA position 6739, G replaced by A.
Protein change: p.Ala2247Thr; replaces alanine 2247 with threonine.
Molecular consequence: missense variant. On other transcripts: intron variant (10).
Genome position (GRCh38, 1-based): chr6:56,616,728, C>T on the plus strand (G>A on the coding strand, the complement: DST is on the minus strand). VCF-style: chr6-56616728-C-T. GRCh37 (hg19) VCF-style: chr6-56481526-C-T.
Other names: c.4831-2244G>A (NM_001144769.5); c.4930-2244G>A (NM_001374722.1, NM_001374736.1); c.4957-2244G>A (NM_001374734.1); c.4417-2244G>A (NM_001144770.2); c.4297-2244G>A (NM_001374730.1, NM_001386100.1, NM_183380.4 and 1 more transcripts); c.3319-2244G>A (NM_015548.5); short protein forms A2247T.
Identifiers: ClinVar variation 1436915 (VCV001436915.8), dbSNP rs757891711, ClinGen allele CA3870103.

ClinVar aggregate classification (germline): Uncertain significance (1 of 4 stars; one submission).

Conditions:
Epidermolysis bullosa simplex 3, localized or generalized intermediate, with BP230 deficiency (EBS3). Also called: Epidermolysis bullosa simplex due to BP230 deficiency; Epidermolysis bullosa simplex, autosomal recessive 2. Identifiers: Orphanet 412181, MedGen C3809470, MONDO:0014180, OMIM 615425.
Hereditary sensory and autonomic neuropathy type 6. Also called: HSAN VI; Neuropathy, hereditary sensory and autonomic, type VI. Identifiers: Orphanet 314381, MedGen C3539003, MONDO:0013839, OMIM 614653.

Allele frequency attached by ClinVar (database versions not stated): gnomAD 0.00001; gnomAD exomes 0.00002; ExAC 0.00003.
gnomAD v4.1: 11 of 1,614,088 alleles (0.00068%); highest among the groups gnomAD compares: South Asian, 0.0099%; no homozygotes.

Submission:

Labcorp Genetics (formerly Invitae), Labcorp
Classification: Uncertain significance for Epidermolysis bullosa simplex 3, localized or generalized intermediate, with BP230 deficiency; Hereditary sensory and autonomic neuropathy type 6. Last evaluated: 2024-11-04. Review status: criteria provided, single submitter. Criteria: Invitae Variant Classification Sherloc (09022015). Collection method: clinical testing. Allele origin: germline.
Comment: This sequence change replaces alanine, which is neutral and non-polar, with threonine, which is neutral and polar, at codon 2247 of the DST protein (p.Ala2247Thr). This variant is present in population databases (rs757891711, gnomAD 0.02%). This variant has not been reported in the literature in individuals affected with DST-related conditions. ClinVar contains an entry for this variant (Variation ID: 1436915). An algorithm developed to predict the effect of missense changes on protein structure and function (PolyPhen-2) suggests that this variant is likely to be tolerated. In summary, the available evidence is currently insufficient to determine the role of this variant in disease. Therefore, it has been classified as a Variant of Uncertain Significance.